The following is an entry in ClinVar:

ClinVar aggregate classification (germline): Uncertain significance (1 of 4 stars; one submission).

Allele frequency attached by ClinVar (database versions not stated): gnomAD 0.00001; TOPMed 0.00004.
gnomAD v4.1: 6 of 1,609,778 alleles (0.00037%); highest among the groups gnomAD compares: African/African-American, 0.0067%; no homozygotes.

Submission:

Labcorp Genetics (formerly Invitae), Labcorp
Classification: Uncertain significance. Last evaluated: 2021-03-28. Review status: criteria provided, single submitter. Criteria: Invitae Variant Classification Sherloc (09022015). Collection method: clinical testing. Allele origin: germline.
Comment: This variant is present in population databases (rs774321893, ExAC 0.01%). This sequence change replaces proline with serine at codon 437 of the IMPG1 protein (p.Pro437Ser). The proline residue is moderately conserved and there is a moderate physicochemical difference between proline and serine. This variant has not been reported in the literature in individuals with IMPG1-related conditions. Algorithms developed to predict the effect of missense changes on protein structure and function output the following: SIFT: "Tolerated"; PolyPhen-2: "Benign"; Align-GVGD: "Class C0". The serine amino acid residue is found in multiple mammalian species, suggesting that this missense change does not adversely affect protein function. These predictions have not been confirmed by published functional studies and their clinical significance is uncertain. In summary, the available evidence is currently insufficient to determine the role of this variant in disease. Therefore, it has been classified as a Variant of Uncertain Significance.

NM_001563.4(IMPG1):c.1309C>T (p.Pro437Ser)

Gene: IMPG1 (interphotoreceptor matrix proteoglycan 1; minus strand). Cytogenetic location: 6q14.1.
Variant type: single nucleotide variant.
Coding change: c.1309C>T on transcript NM_001563.4 (MANE Select); coding-DNA position 1309, C replaced by T.
Protein change: p.Pro437Ser; replaces proline 437 with serine.
Molecular consequence: missense variant.
Genome position (GRCh38, 1-based): chr6:75,951,077, G>A on the plus strand (C>T on the coding strand, the complement: IMPG1 is on the minus strand). VCF-style: chr6-75951077-G-A. GRCh37 (hg19) VCF-style: chr6-76660794-G-A.
Other names: c.1075C>T, p.Pro359Ser (NM_001282368.2); short protein forms P437S, P359S.
Identifiers: ClinVar variation 1520826 (VCV001520826.8), dbSNP rs774321893, ClinGen allele CA3898141.
Genomic context (GRCh38, chr6:75,951,077, plus strand): 5'-AGATGCTTGATGCCATAAAGAAAGGTGGAGCTTCTGACAGGGAGGTAGAGGCCATAGCAG[G>A]TGGAGACCAAGAAGTGTCTGTGGAGGAAGTACAATTTCATTATGTCCAAGTATTCCCCAA-3'
Protein context (NP_001554.2, residues 427-447): HGLPDTSWSP[Pro437Ser]AMASTSLSEA